The following is an entry in ClinVar:

GRCh38/hg38 12q24.31-24.33(chr12:123444758-133191400)x3

Genes: LRCOL1 (leucine rich colipase like 1; minus strand), MIR3612 (microRNA 3612; plus strand), MIR3908 (microRNA 3908; plus strand), MIR5188 (microRNA 5188; plus strand), MIR6763 (microRNA 6763; plus strand) and 410 more. Cytogenetic location: 12q24.31-24.33.
Variant type: copy number gain.
Change: copy number 3 (three copies instead of two) of chr12:123,444,758-133,191,400 (9.75 Mb, GRCh38 coordinates, 1-based), cytogenetic band 12q24.31-24.33.
Identifiers: ClinVar variation 57448 (VCV000057448.2).

ClinVar aggregate classification (germline): Pathogenic (1 of 4 stars; one submission).

Submission:

ISCA site 4
Classification: Pathogenic. Last evaluated: 2011-08-12. Review status: criteria provided, single submitter. Criteria: Kaminsky et al. (Genet Med. 2011). Collection method: clinical testing. Allele origin: unknown. Affected: yes. Observed: 1 variant allele.
Comment: Copy number variation identified through the course of routine clinical cytogenomic testing in postnatal populations. Clinical assertions have been curated as described in Kaminsky et al. 2011.